The following is an entry in ClinVar:

ClinVar aggregate classification (germline): Uncertain significance (1 of 4 stars; one submission).

Conditions:
Hypertrophic cardiomyopathy. Also called: HYPERTROPHIC MYOCARDIOPATHY. Identifiers: Orphanet 217569, MedGen C0007194, MeSH D002312, MONDO:0005045, HP:0001639.

gnomAD v4.1: 4 of 1,613,868 alleles (0.00025%); highest among the groups gnomAD compares: African/African-American, 0.0013%; no homozygotes.

Submission:

All of Us Research Program, National Institutes of Health
Classification: Uncertain significance for Hypertrophic cardiomyopathy. Last evaluated: 2023-09-04. Review status: criteria provided, single submitter. Criteria: ACMG Guidelines, 2015. Collection method: clinical testing. Allele origin: germline. Inheritance: Autosomal dominant inheritance. Observed: 1 variant allele, 1 heterozygote.
Comment: This variant is located in the 5' untranslated region of the TNNI3 gene. To our knowledge, functional studies have not been reported for this variant. This variant has not been reported in individuals affected with TNNI3-related disorders in the literature. This variant has been identified in 1/31354 chromosomes in the general population by the Genome Aggregation Database (gnomAD). The available evidence is insufficient to determine the role of this variant in disease conclusively. Therefore, this variant is classified as a Variant of Uncertain Significance.

This study involves interpretation of variants in research participants for the purpose of population health screening. Participant phenotype was not available at the time of variant classification. Additional details can be found in publication PMID: 35346344, PMCID: PMC8962531

NM_000363.5(TNNI3):c.-15G>T

Gene: TNNI3 (troponin I3, cardiac type; minus strand). Cytogenetic location: 19q13.42.
Variant type: single nucleotide variant.
Coding change: c.-15G>T on transcript NM_000363.5 (MANE Select); 15 bases upstream of the start codon, G replaced by T.
Molecular consequence: 5 prime UTR variant.
Genome position (GRCh38, 1-based): chr19:55,157,604, C>A on the plus strand (G>T on the coding strand, the complement: TNNI3 is on the minus strand). VCF-style: chr19-55157604-C-A. GRCh37 (hg19) VCF-style: chr19-55668972-C-A.
Identifiers: ClinVar variation 3073296 (VCV003073296.1), dbSNP rs530600518, ClinGen allele CA310150733.